The following is an entry in ClinVar:

NC_000009.11:g.(?_214977)_(464219_?)del

Genes: DOCK8-AS1 (DOCK8 antisense RNA 1; minus strand), DOCK8 (dedicator of cytokinesis 8; plus strand). Cytogenetic location: 9p24.3.
Variant type: Deletion.
Identifiers: ClinVar variation 1076364 (VCV001076364.2).

ClinVar aggregate classification (germline): Pathogenic (1 of 4 stars; one submission).

Conditions:
Combined immunodeficiency due to DOCK8 deficiency (HIES2). Also called: HIES autosomal recessive; HYPER-IgE RECURRENT INFECTION SYNDROME 2, AUTOSOMAL RECESSIVE; DOCK8 Deficiency; Hyper-IgE recurrent infection syndrome, autosomal recessive; HYPER-IgE SYNDROME 2, AUTOSOMAL RECESSIVE, WITH RECURRENT INFECTIONS. Identifiers: Orphanet 217390, MedGen C4722305, MONDO:0009478, OMIM 243700.

Submission:

Labcorp Genetics (formerly Invitae), Labcorp
Classification: Pathogenic for Combined immunodeficiency due to DOCK8 deficiency. Last evaluated: 2021-07-21. Review status: criteria provided, single submitter. Criteria: Invitae Variant Classification Sherloc (09022015). Collection method: clinical testing. Allele origin: germline.
Comment: A gross deletion of the genomic region encompassing the full coding sequence of the DOCK8 gene has been identified. Loss-of-function variants in DOCK8 are known to be pathogenic (PMID: 14722525, 19776401). The boundaries of this event are unknown as they extend beyond the assayed region for this gene and therefore may encompass additional genes. A similar copy number variant has been observed in individual(s) with DOCK8 deficiency (PMID: 19776401, 20622910, 24797421, 25724123). It has also been observed to segregate with disease in related individuals. For these reasons, this variant has been classified as Pathogenic.

Literature cited by the submitters: PubMed 14722525; PubMed 19776401; PubMed 20622910; PubMed 24797421; PubMed 25724123.